The following is an entry in ClinVar:

NM_017849.4(TMEM127):c.245A>T (p.Asp82Val)

Gene: TMEM127 (transmembrane protein 127; minus strand). Cytogenetic location: 2q11.2.
Variant type: single nucleotide variant.
Coding change: c.245A>T on transcript NM_017849.4 (MANE Select); coding-DNA position 245, A replaced by T.
Protein change: p.Asp82Val; replaces aspartic acid 82 with valine.
Molecular consequence: missense variant.
Genome position (GRCh38, 1-based): chr2:96,254,997, T>A on the plus strand (A>T on the coding strand, the complement: TMEM127 is on the minus strand). VCF-style: chr2-96254997-T-A. GRCh37 (hg19) VCF-style: chr2-96920735-T-A.
Other names: c.245A>T, p.Asp82Val (NM_001193304.3); c.-8A>T (NM_001407282.1, NM_001407283.1); short protein forms D82V.
Identifiers: ClinVar variation 1791601 (VCV001791601.2), dbSNP rs2467266779, ClinGen allele CA347653754.

ClinVar aggregate classification (germline): Uncertain significance (1 of 4 stars; one submission).

Conditions:
Hereditary cancer-predisposing syndrome. Also called: Hereditary Cancer Syndrome; Hereditary neoplastic syndrome; Tumor predisposition; Neoplastic Syndromes, Hereditary. Identifiers: Orphanet 140162, MedGen C0027672, MeSH D009386, MONDO:0015356.

Submission:

Ambry Genetics
Classification: Uncertain significance for Hereditary cancer-predisposing syndrome. Last evaluated: 2021-11-15. Review status: criteria provided, single submitter. Criteria: Ambry Variant Classification Scheme 2023. Collection method: clinical testing. Allele origin: germline.
Comment: The p.D82V variant (also known as c.245A>T) is located in coding exon 2 of the TMEM127 gene. The aspartic acid at codon 82 is replaced by valine, an amino acid with highly dissimilar properties. This change occurs in the first base pair of coding exon 2. In silico splice site analysis predicts that this alteration may result in the creation or strengthening of a novel splice acceptor site. RNA studies have demonstrated that this alteration results in an incomplete splice defect; the clinical impact of this abnormal splicing is unknown at this time (Ambry internal data). This amino acid position is highly conserved in available vertebrate species. In addition, the in silico prediction for this alteration is inconclusive. Since supporting evidence is limited at this time, the clinical significance of this alteration remains unclear.